The following is an entry in ClinVar:

NM_024529.5(CDC73):c.1317-3T>C

Gene: CDC73 (cell division cycle 73; plus strand). Cytogenetic location: 1q31.2.
Variant type: single nucleotide variant.
Coding change: c.1317-3T>C on transcript NM_024529.5 (MANE Select); 3 bases into the intron before coding-DNA position 1317, T replaced by C.
Molecular consequence: intron variant.
Genome position (GRCh38, 1-based): chr1:193,236,253, T>C. VCF-style: chr1-193236253-T-C. GRCh37 (hg19) VCF-style: chr1-193205383-T-C.
Identifiers: ClinVar variation 1769798 (VCV001769798.7), dbSNP rs2527500635, ClinGen allele CA2580061780.

ClinVar aggregate classification (germline): Conflicting classifications of pathogenicity. Review status: criteria provided, conflicting classifications (1 of 4 stars). 2 submissions from 2 submitters: Uncertain significance (1); Likely benign (1). Last evaluated 2022-10-05.

Conditions:
Hereditary cancer-predisposing syndrome. Also called: Hereditary Cancer Syndrome; Hereditary neoplastic syndrome; Neoplastic Syndromes, Hereditary; Tumor predisposition. Identifiers: Orphanet 140162, MedGen C0027672, MeSH D009386, MONDO:0015356.
Parathyroid carcinoma (PRTC). Also called: CDC73-Related Parathyroid Carcinoma; Parathyroid gland carcinoma. Identifiers: Orphanet 143, MedGen C0687150, MONDO:0012004, OMIM 608266, HP:0006780.

Submissions (2):

Labcorp Genetics (formerly Invitae), Labcorp
Classification: Likely benign for Parathyroid carcinoma. Last evaluated: 2022-10-05. Review status: criteria provided, single submitter. Criteria: Invitae Variant Classification Sherloc (09022015). Collection method: clinical testing. Allele origin: germline.

Ambry Genetics
Classification: Uncertain significance for Hereditary cancer-predisposing syndrome. Last evaluated: 2022-02-25. Review status: criteria provided, single submitter. Criteria: Ambry Variant Classification Scheme 2023. Collection method: clinical testing. Allele origin: germline.
Comment: The c.1317-3T>C intronic variant results from a T to C substitution 3 nucleotides upstream from coding exon 15 in the CDC73 gene. This nucleotide position is not well conserved in available vertebrate species. In silico splice site analysis predicts that this alteration will not have any significant effect on splicing. Since supporting evidence is limited at this time, the clinical significance of this alteration remains unclear.